The following is an entry in ClinVar:

NM_001843.4(CNTN1):c.2035T>A (p.Phe679Ile)

Gene: CNTN1 (contactin 1; plus strand). Cytogenetic location: 12q12.
Variant type: single nucleotide variant.
Coding change: c.2035T>A on transcript NM_001843.4 (MANE Select); coding-DNA position 2035, T replaced by A.
Protein change: p.Phe679Ile; replaces phenylalanine 679 with isoleucine.
Molecular consequence: missense variant.
Genome position (GRCh38, 1-based): chr12:40,993,191, T>A. VCF-style: chr12-40993191-T-A. GRCh37 (hg19) VCF-style: chr12-41386993-T-A.
Other names: c.2002T>A, p.Phe668Ile (NM_175038.2); short protein forms F668I, F679I.
Identifiers: ClinVar variation 2032400 (VCV002032400.4), dbSNP rs1948133771, ClinGen allele CA384586254.

ClinVar aggregate classification (germline): Uncertain significance (1 of 4 stars; one submission).

Conditions:
Compton-North congenital myopathy (CMYO12). Identifiers: Orphanet 210163, MedGen C2675527, MONDO:0012929, OMIM 612540.

Allele frequency attached by ClinVar (database versions not stated): TOPMed below 0.00001.

Submission:

Labcorp Genetics (formerly Invitae), Labcorp
Classification: Uncertain significance for Compton-North congenital myopathy. Last evaluated: 2022-06-13. Review status: criteria provided, single submitter. Criteria: Invitae Variant Classification Sherloc (09022015). Collection method: clinical testing. Allele origin: germline.
Comment: In summary, the available evidence is currently insufficient to determine the role of this variant in disease. Therefore, it has been classified as a Variant of Uncertain Significance. Algorithms developed to predict the effect of missense changes on protein structure and function are either unavailable or do not agree on the potential impact of this missense change (SIFT: "Deleterious"; PolyPhen-2: "Probably Damaging"; Align-GVGD: "Class C15"). This variant has not been reported in the literature in individuals affected with CNTN1-related conditions. This variant is not present in population databases (gnomAD no frequency). This sequence change replaces phenylalanine, which is neutral and non-polar, with isoleucine, which is neutral and non-polar, at codon 679 of the CNTN1 protein (p.Phe679Ile).